The following is an entry in ClinVar:

ClinVar aggregate classification (germline): Uncertain significance (1 of 4 stars; one submission).

Submission:

CeGaT Center for Human Genetics Tuebingen
Classification: Uncertain significance. Last evaluated: 2024-06-01. Review status: criteria provided, single submitter. Criteria: CeGaT Center For Human Genetics Tuebingen Variant Classification Criteria Version 2. Collection method: clinical testing. Allele origin: germline. Affected: yes. Observed: 1 variant allele.
Comment: LONP1: PM2

NM_004793.4(LONP1):c.932+2T>C

Gene: LONP1 (lon peptidase 1, mitochondrial; minus strand). Cytogenetic location: 19p13.3.
Variant type: single nucleotide variant.
Coding change: c.932+2T>C on transcript NM_004793.4 (MANE Select); the canonical splice donor site of the intron after coding-DNA position 932, T replaced by C.
Molecular consequence: splice donor variant.
Genome position (GRCh38, 1-based): chr19:5,708,340, A>G on the plus strand (T>C on the coding strand, the complement: LONP1 is on the minus strand). VCF-style: chr19-5708340-A-G. GRCh37 (hg19) VCF-style: chr19-5708351-A-G.
Other names: c.344+2T>C (NM_001276480.1); c.740+2T>C (NM_001276479.2).
Identifiers: ClinVar variation 3251097 (VCV003251097.18), dbSNP rs2512415113.